The following is an entry in ClinVar:

NM_003597.5(KLF11):c.1246C>T (p.Arg416Cys)

Gene: KLF11 (KLF transcription factor 11; plus strand). Cytogenetic location: 2p25.1.
Variant type: single nucleotide variant.
Coding change: c.1246C>T on transcript NM_003597.5 (MANE Select); coding-DNA position 1246, C replaced by T.
Protein change: p.Arg416Cys; replaces arginine 416 with cysteine.
Molecular consequence: missense variant.
Genome position (GRCh38, 1-based): chr2:10,048,583, C>T. VCF-style: chr2-10048583-C-T. GRCh37 (hg19) VCF-style: chr2-10188710-C-T.
Other names: c.1195C>T, p.Arg399Cys (NM_001177716.2, NM_001177718.2); short protein forms R399C, R416C.
Identifiers: ClinVar variation 1049501 (VCV001049501.1), dbSNP rs369331650, ClinGen allele CA1525716.

ClinVar aggregate classification (germline): Uncertain significance (0 of 4 stars; one submission).

Allele frequency attached by ClinVar (database versions not stated): gnomAD exomes 0.00003 and 0.00004; TOPMed 0.00004; ExAC 0.00006; gnomAD 0.00006; ESP Exome Variant Server 0.00015.

Submission:

Department of Pathology and Laboratory Medicine, Sinai Health System
Classification: Uncertain significance. Review status: no assertion criteria provided. Collection method: clinical testing. Allele origin: unknown. Affected: yes. Study: The Canadian Open Genetics Repository (COGR).
Comment: The KLF11 p.Arg399Cys variant was not identified in the literature nor was it identified in ClinVar or LOVD 3.0. The variant was identified in dbSNP (ID: rs369331650) and was identified in control databases in 12 of 273334 chromosomes at a frequency of 0.000044 (Genome Aggregation Database March 6, 2019, v2.1.1). The variant was observed in the following populations: European (Finnish) in 2 of 16564 chromosomes (freq: 0.000121), Ashkenazi Jewish in 1 of 10334 chromosomes (freq: 0.000097), European (non-Finnish) in 8 of 128554 chromosomes (freq: 0.000062) and South Asian in 1 of 30598 chromosomes (freq: 0.000033), but was not observed in the African, Latino, East Asian, or Other populations. The p.Arg399 residue is conserved across mammals and other organisms, and computational analyses (PolyPhen-2, SIFT, AlignGVGD, BLOSUM, MutationTaster) suggest that the variant may impact the protein; however, this information is not predictive enough to assume pathogenicity. The variant occurs outside of the splicing consensus sequence and three of four in silico or computational prediction software programs (SpliceSiteFinder, MaxEntScan, NNSPLICE, GeneSplicer) do not predict a greater than 10% difference in splicing; this is not very predictive of pathogenicity. In summary, based on the above information the clinical significance of this variant cannot be determined with certainty at this time. This variant is classified as a variant of uncertain significance.